The following is an entry in ClinVar:

ClinVar aggregate classification (germline): Uncertain significance (1 of 4 stars; one submission).

Conditions:
Dilated cardiomyopathy 1DD (CMD1DD). Identifiers: Orphanet 154, MedGen C2750995, MONDO:0013168, OMIM 613172.

Allele frequency attached by ClinVar (database versions not stated): gnomAD exomes below 0.00001; gnomAD 0.00001.
gnomAD v4.1: 3 of 1,551,634 alleles (0.00019%); highest among the groups gnomAD compares: Non-Finnish European, 0.00026%; no homozygotes.

Submission:

Labcorp Genetics (formerly Invitae), Labcorp
Classification: Uncertain significance for Dilated cardiomyopathy 1DD. Last evaluated: 2022-12-03. Review status: criteria provided, single submitter. Criteria: Invitae Variant Classification Sherloc (09022015). Collection method: clinical testing. Allele origin: germline.
Comment: This sequence change replaces alanine, which is neutral and non-polar, with serine, which is neutral and polar, at codon 973 of the RBM20 protein (p.Ala973Ser). This variant is not present in population databases (gnomAD no frequency). This variant has not been reported in the literature in individuals affected with RBM20-related conditions. Advanced modeling of protein sequence and biophysical properties (such as structural, functional, and spatial information, amino acid conservation, physicochemical variation, residue mobility, and thermodynamic stability) performed at Invitae indicates that this missense variant is not expected to disrupt RBM20 protein function. In summary, the available evidence is currently insufficient to determine the role of this variant in disease. Therefore, it has been classified as a Variant of Uncertain Significance.

NM_001134363.3(RBM20):c.2917G>T (p.Ala973Ser)

Gene: RBM20 (RNA binding motif protein 20; plus strand). Cytogenetic location: 10q25.2.
Variant type: single nucleotide variant.
Coding change: c.2917G>T on transcript NM_001134363.3 (MANE Select); coding-DNA position 2917, G replaced by T.
Protein change: p.Ala973Ser; replaces alanine 973 with serine.
Molecular consequence: missense variant.
Genome position (GRCh38, 1-based): chr10:110,821,536, G>T. VCF-style: chr10-110821536-G-T. GRCh37 (hg19) VCF-style: chr10-112581294-G-T.
Other names: short protein forms A973S.
Identifiers: ClinVar variation 2160027 (VCV002160027.4), dbSNP rs1844910049, ClinGen allele CA378378431.